The following is an entry in ClinVar:

NM_005450.6(NOG):c.234C>T (p.Phe78=)

Gene: NOG (noggin; plus strand). Cytogenetic location: 17q22.
Variant type: single nucleotide variant.
Coding change: c.234C>T on transcript NM_005450.6 (MANE Select); coding-DNA position 234, C replaced by T.
Protein change: p.Phe78=; no amino-acid change (phenylalanine 78 retained).
Molecular consequence: synonymous variant.
Genome position (GRCh38, 1-based): chr17:56,594,457, C>T. VCF-style: chr17-56594457-C-T. GRCh37 (hg19) VCF-style: chr17-54671818-C-T.
Identifiers: ClinVar variation 3622049 (VCV003622049.2).

ClinVar aggregate classification (germline): Uncertain significance (1 of 4 stars; one submission).

gnomAD v4.1: 3 of 1,612,712 alleles (0.00019%); highest among the groups gnomAD compares: Non-Finnish European, 0.00025%; no homozygotes.

Submission:

Labcorp Genetics (formerly Invitae), Labcorp
Classification: Uncertain significance. Last evaluated: 2025-07-27. Review status: criteria provided, single submitter. Criteria: Invitae Variant Classification Sherloc (09022015). Collection method: clinical testing. Allele origin: germline.
Comment: This sequence change affects codon 78 of the NOG mRNA. It is a 'silent' change, meaning that it does not change the encoded amino acid sequence of the NOG protein. This variant is present in population databases (no rsID available, gnomAD 0.0009%). This variant has not been reported in the literature in individuals affected with NOG-related conditions. ClinVar contains an entry for this variant (Variation ID: 3622049). In summary, the available evidence is currently insufficient to determine the role of this variant in disease. Therefore, it has been classified as a Variant of Uncertain Significance.